The following is an entry in ClinVar:

ClinVar aggregate classification (germline): Benign. Review status: criteria provided, multiple submitters, no conflicts (2 of 4 stars). 10 submissions from 10 submitters: Benign (8). 2 of the submissions do not count toward it. Last evaluated 2026-02-04.

Conditions:
Dilated cardiomyopathy 1JJ (CMD1JJ). Identifiers: Orphanet 154, MedGen C3808935, MONDO:0014095, OMIM 615235.

Allele frequency attached by ClinVar (database versions not stated): gnomAD exomes 0.23814 and 0.25967; ESP Exome Variant Server 0.25719; gnomAD 0.24942 and 0.24807; TOPMed 0.25088; ExAC 0.23929; 1000 Genomes Project 0.24002; 1000 Genomes Project 30x 0.23969.
gnomAD v4.1: 416,039 of 1,609,574 alleles (26%); highest among the groups gnomAD compares: East Asian, 31%; 55,202 homozygotes.

Submissions (10):

Labcorp Genetics (formerly Invitae), Labcorp
Classification: Benign for Dilated cardiomyopathy 1JJ. Last evaluated: 2026-02-04. Review status: criteria provided, single submitter. Criteria: Invitae Variant Classification Sherloc (09022015). Collection method: clinical testing. Allele origin: germline.

Blueprint Genetics
Classification: Benign. Last evaluated: 2024-11-26. Review status: criteria provided, single submitter. Criteria: ACMG Guidelines, 2015. Collection method: clinical testing. Allele origin: germline.

Women's Health and Genetics/Laboratory Corporation of America, LabCorp
Classification: Benign. Last evaluated: 2023-04-09. Review status: criteria provided, single submitter. Criteria: LabCorp Variant Classification Summary - May 2015. Collection method: clinical testing. Allele origin: germline.

Genome-Nilou Lab
Classification: Benign for Dilated cardiomyopathy 1JJ. Last evaluated: 2021-08-19. Review status: criteria provided, single submitter. Criteria: ACMG Guidelines, 2015. Collection method: clinical testing. Allele origin: germline. Affected: no.

Clinical Genetics DNA and cytogenetics Diagnostics Lab, Erasmus MC, Erasmus Medical Center
Classification: Benign for Dilated cardiomyopathy 1JJ. Last evaluated: 2015-09-21. Review status: criteria provided, single submitter. Criteria: ACGS Guidelines, 2013. Collection method: clinical testing. Allele origin: germline. Affected: yes. Study: VKGL Data-share Consensus.

GeneDx
Classification: Benign. Last evaluated: 2014-01-08. Review status: criteria provided, single submitter. Criteria: GeneDx Variant Classification (06012015). Collection method: clinical testing. Allele origin: germline. Affected: yes.
Comment: This variant is considered likely benign or benign based on one or more of the following criteria: it is a conservative change, it occurs at a poorly conserved position in the protein, it is predicted to be benign by multiple in silico algorithms, and/or has population frequency not consistent with disease.

Laboratory for Molecular Medicine, Mass General Brigham Personalized Medicine
Classification: Benign. Last evaluated: 2011-09-28. Review status: criteria provided, single submitter. Criteria: LMM Criteria. Collection method: clinical testing. Allele origin: germline. Observed: 784 variant alleles.
Comment: This variant is classified as benign because it is located in the intron outside the splice consensus and occurs in the general population at a frequency of >1% (rs3734290).

PreventionGenetics, part of Exact Sciences
Classification: Benign. Review status: criteria provided, single submitter. Criteria: ACMG Guidelines, 2015. Collection method: clinical testing. Allele origin: germline.

Clinical Genetics, Academic Medical Center
Classification: Benign. Review status: no assertion criteria provided. Collection method: clinical testing. Allele origin: germline. Affected: yes. Study: VKGL Data-share Consensus. Not counted in ClinVar's aggregate classification.

Diagnostic Laboratory, Department of Genetics, University Medical Center Groningen
Classification: Benign for Dilated cardiomyopathy 1JJ. Review status: no assertion criteria provided. Collection method: clinical testing. Allele origin: germline. Affected: yes. Study: VKGL Data-share Consensus. Not counted in ClinVar's aggregate classification.

NM_001105206.3(LAMA4):c.5326+15A>C

Gene: LAMA4 (laminin subunit alpha 4; minus strand). Cytogenetic location: 6q21.
Variant type: single nucleotide variant.
Coding change: c.5326+15A>C on transcript NM_001105206.3 (MANE Select); 15 bases into the intron after coding-DNA position 5326, A replaced by C.
Molecular consequence: intron variant.
Genome position (GRCh38, 1-based): chr6:112,114,061, T>G on the plus strand (A>C on the coding strand, the complement: LAMA4 is on the minus strand). VCF-style: chr6-112114061-T-G. GRCh37 (hg19) VCF-style: chr6-112435264-T-G.
Other names: c.5305+15A>C (NM_002290.5, NM_001105207.3).
Identifiers: ClinVar variation 44405 (VCV000044405.20), dbSNP rs3734290, ClinGen allele CA282401.
Genomic context (GRCh38, chr6:112,114,061, plus strand): 5'-GCTCAATTCTACAATAACAATTGTGAGAACTCAGTTTTTTGGATTGGGAACTTTTCCTTT[T>G]TAAACAACACTTACCTGGAACACCTCCAACAAACACAGGCTCCCTGTGATCAATTGGTTT-3'